The following is an entry in ClinVar:

ClinVar aggregate classification (germline): Likely benign. Review status: criteria provided, multiple submitters, no conflicts (2 of 4 stars). 3 submissions from 3 submitters: Likely benign (2). 1 of the submissions does not count toward it. Last evaluated 2024-01-11.

Conditions:
Hereditary cancer-predisposing syndrome. Also called: Tumor predisposition; Hereditary Cancer Syndrome; Neoplastic Syndromes, Hereditary; Hereditary neoplastic syndrome. Identifiers: Orphanet 140162, MedGen C0027672, MeSH D009386, MONDO:0015356.
BRCA2-related disorder. Also called: BRCA2-related condition; BRCA2-related disorders. Identifiers: MedGen CN239275.
Hereditary breast ovarian cancer syndrome. Also called: Hereditary breast and ovarian cancer syndrome (HBOC); Hereditary breast and ovarian cancer; Breast and ovarian cancer; Hereditary breast and ovarian cancer syndrome; Hereditary breast and/or ovarian cancer syndrome; BRCA1- and BRCA2-Associated Hereditary Breast and Ovarian Cancer. Identifiers: Orphanet 145, MedGen C0677776, MeSH D061325, MONDO:0003582. Disease mechanism: loss of function.

Submissions (3):

Labcorp Genetics (formerly Invitae), Labcorp
Classification: Likely benign for Hereditary breast ovarian cancer syndrome. Last evaluated: 2024-01-11. Review status: criteria provided, single submitter. Criteria: Invitae Variant Classification Sherloc (09022015). Collection method: clinical testing. Allele origin: germline.

Ambry Genetics
Classification: Likely benign for Hereditary cancer-predisposing syndrome. Last evaluated: 2020-09-30. Review status: criteria provided, single submitter. Criteria: Ambry Variant Classification Scheme 2023. Collection method: clinical testing. Allele origin: germline.

PreventionGenetics, part of Exact Sciences
Classification: Likely benign for BRCA2-related condition. Last evaluated: 2024-03-20. Review status: no assertion criteria provided. Collection method: clinical testing. Allele origin: germline. Not counted in ClinVar's aggregate classification.
Comment: This variant is classified as likely benign based on ACMG/AMP sequence variant interpretation guidelines (Richards et al. 2015 PMID: 25741868, with internal and published modifications).

NM_000059.4(BRCA2):c.4734A>G (p.Leu1578=)

Gene: BRCA2 (BRCA2 DNA repair associated; plus strand). Cytogenetic location: 13q13.1.
Variant type: single nucleotide variant.
Coding change: c.4734A>G on transcript NM_000059.4 (MANE Select); coding-DNA position 4734, A replaced by G.
Protein change: p.Leu1578=; no amino-acid change (leucine 1578 retained).
Molecular consequence: synonymous variant.
Genome position (GRCh38, 1-based): chr13:32,339,089, A>G. VCF-style: chr13-32339089-A-G. GRCh37 (hg19) VCF-style: chr13-32913226-A-G.
Identifiers: ClinVar variation 1611217 (VCV001611217.11), dbSNP rs2137509614, ClinGen allele CA483438173.